The following is an entry in ClinVar:

NM_032228.6(FAR1):c.1357C>G (p.Leu453Val)

Gene: FAR1 (fatty acyl-CoA reductase 1; plus strand). Cytogenetic location: 11p15.3.
Variant type: single nucleotide variant.
Coding change: c.1357C>G on transcript NM_032228.6 (MANE Select); coding-DNA position 1357, C replaced by G.
Protein change: p.Leu453Val; replaces leucine 453 with valine.
Molecular consequence: missense variant.
Genome position (GRCh38, 1-based): chr11:13,727,655, C>G. VCF-style: chr11-13727655-C-G. GRCh37 (hg19) VCF-style: chr11-13749202-C-G.
Other names: short protein forms L453V.
Identifiers: ClinVar variation 3718637 (VCV003718637.2).
Genomic context (GRCh38, chr11:13,727,655, plus strand): 5'-TATATAGAGAACTACTGCTTGGGAACTAAGAAGTACGTATTGAATGAAGAAATGTCTGGC[C>G]TCCCTGCAGCCAGAAAACATCTGAACAAGTGAGTTTGATGCATGGATTTGATTGCTTCTT-3'
Protein context (NP_115604.1, residues 443-463): KYVLNEEMSG[Leu453Val]PAARKHLNKL

ClinVar aggregate classification (germline): Uncertain significance (1 of 4 stars; one submission).

gnomAD v4.1: 1 of 1,609,020 alleles (0.000062%); highest among the groups gnomAD compares: South Asian, 0.0011%; no homozygotes.

Submission:

Labcorp Genetics (formerly Invitae), Labcorp
Classification: Uncertain significance. Last evaluated: 2025-03-01. Review status: criteria provided, single submitter. Criteria: Invitae Variant Classification Sherloc (09022015). Collection method: clinical testing. Allele origin: germline.
Comment: This sequence change replaces leucine, which is neutral and non-polar, with valine, which is neutral and non-polar, at codon 453 of the FAR1 protein (p.Leu453Val). This variant is present in population databases (no rsID available, gnomAD 0.003%). This variant has not been reported in the literature in individuals affected with FAR1-related conditions. An algorithm developed to predict the effect of missense changes on protein structure and function (PolyPhen-2) suggests that this variant is likely to be tolerated. In summary, the available evidence is currently insufficient to determine the role of this variant in disease. Therefore, it has been classified as a Variant of Uncertain Significance.